The following is an entry in ClinVar:

NM_000487.6(ARSA):c.244del (p.Arg82fs)

Gene: ARSA (arylsulfatase A; minus strand). Cytogenetic location: 22q13.33.
Variant type: Deletion.
Coding change: c.244del on transcript NM_000487.6 (MANE Select); coding-DNA position 244, one base deleted (C; older notation c.244delC).
Protein change: p.Arg82fs; shifts the reading frame from arginine 82.
Molecular consequence: frameshift variant. On other transcripts: 5 prime UTR variant (2).
Genome position (GRCh38, 1-based): chr22:50,627,387, G deleted on the plus strand (C on the coding strand, the reverse complement: ARSA is on the minus strand); the first of 2 consecutive G bases (chr22:50,627,387-50,627,388); deleting either gives the same sequence. VCF-style (leftmost placement, unchanged base first): chr22-50627386-CG-C. GRCh37 (hg19) VCF-style: chr22-51065814-CG-C.
Other names: c.-15del (NM_001362782.2, NM_001085428.3); c.244del, p.Arg82fs (NM_001085425.3, NM_001085426.3, NM_001085427.3); short protein forms R82fs.
Identifiers: ClinVar variation 633043 (VCV000633043.3), dbSNP rs1569081823, ClinGen allele CA913190485.

ClinVar aggregate classification (germline): Pathogenic/Likely pathogenic. Review status: criteria provided, multiple submitters, no conflicts (2 of 4 stars). 2 submissions from 2 submitters: Pathogenic (1); Likely pathogenic (1). Last evaluated 2022-02-14.

Conditions:
Metachromatic leukodystrophy (MLD). Also called: ARSA DEFICIENCY; SULFATIDE LIPIDOSIS; Cerebral sclerosis diffuse metachromatic form; CEREBROSIDE SULFATASE DEFICIENCY; METACHROMATIC LEUKOENCEPHALOPATHY; Arylsulfatase A Deficiency. Identifiers: Orphanet 512, MedGen C0023522, MONDO:0018868, OMIM 250100.

Submissions (2):

Fulgent Genetics
Classification: Pathogenic for Metachromatic leukodystrophy. Last evaluated: 2022-02-14. Review status: criteria provided, single submitter. Criteria: ACMG Guidelines, 2015. Collection method: clinical testing. Allele origin: unknown.

Women's Health and Genetics/Laboratory Corporation of America, LabCorp
Classification: Likely pathogenic for Metachromatic leukodystrophy. Last evaluated: 2021-08-31. Review status: criteria provided, single submitter. Criteria: LabCorp Variant Classification Summary - May 2015. Collection method: clinical testing. Allele origin: germline.
Comment: Variant summary: ARSA c.244delC (p.Arg82GlyfsX26) results in a premature termination codon, predicted to cause a truncation of the encoded protein or absence of the protein due to nonsense mediated decay, which are commonly known mechanisms for disease. Truncations downstream of this position have been classified as pathogenic by our laboratory. The variant was absent in 231020 control chromosomes. c.244delC has been reported in the literature in at least one individual affected with Metachromatic Leukodystrophy (Gort_2000). To our knowledge, no experimental evidence demonstrating an impact on protein function has been reported. No clinical diagnostic laboratories have submitted clinical-significance assessments for this variant to ClinVar after 2014. Based on the evidence outlined above, the variant was classified as likely pathogenic.

Literature cited by the submitters: PubMed 11013459 (cited by Women's Health and Genetics/Laboratory Corporation of America, LabCorp).